The following is an entry in ClinVar:

NM_001166108.2(PALLD):c.2100+5T>C

Gene: PALLD (palladin, cytoskeletal associated protein; plus strand). Cytogenetic location: 4q32.3.
Variant type: single nucleotide variant.
Coding change: c.2100+5T>C on transcript NM_001166108.2 (MANE Select); 5 bases into the intron after coding-DNA position 2100, T replaced by C.
Molecular consequence: intron variant.
Genome position (GRCh38, 1-based): chr4:168,891,062, T>C. VCF-style: chr4-168891062-T-C. GRCh37 (hg19) VCF-style: chr4-169812213-T-C.
Other names: c.2100+5T>C (NM_016081.4); c.954+5T>C (NM_001166109.2); c.639+5T>C (NM_001166110.2); c.-22+5T>C (NM_001367570.1, NM_001367568.1, NM_001367567.1 and 1 more transcripts).
Identifiers: ClinVar variation 2098780 (VCV002098780.4), dbSNP rs2533588794, ClinGen allele CA2580071658.

ClinVar aggregate classification (germline): Uncertain significance (1 of 4 stars; one submission).

Conditions:
Pancreatic adenocarcinoma. Identifiers: MedGen C0281361, MONDO:0006047, HP:0006725.

Allele frequency attached by ClinVar (database versions not stated): gnomAD exomes below 0.00001.

Submission:

Labcorp Genetics (formerly Invitae), Labcorp
Classification: Uncertain significance for Pancreatic adenocarcinoma. Last evaluated: 2022-02-27. Review status: criteria provided, single submitter. Criteria: Invitae Variant Classification Sherloc (09022015). Collection method: clinical testing. Allele origin: germline.
Comment: Variants that disrupt the consensus splice site are a relatively common cause of aberrant splicing (PMID: 17576681, 9536098). Algorithms developed to predict the effect of sequence changes on RNA splicing suggest that this variant may create or strengthen a splice site. In summary, the available evidence is currently insufficient to determine the role of this variant in disease. Therefore, it has been classified as a Variant of Uncertain Significance. This variant has not been reported in the literature in individuals affected with PALLD-related conditions. This variant is not present in population databases (gnomAD no frequency). This sequence change falls in intron 3 of the PALLD gene. It does not directly change the encoded amino acid sequence of the PALLD protein. It affects a nucleotide within the consensus splice site.

Literature cited by the submitters: PubMed 17576681; PubMed 9536098.